The following is an entry in ClinVar:

NM_032242.4(PLXNA1):c.4611C>T (p.Asp1537=)

Gene: PLXNA1 (plexin A1; plus strand). Cytogenetic location: 3q21.3.
Variant type: single nucleotide variant.
Coding change: c.4611C>T on transcript NM_032242.4 (MANE Select); coding-DNA position 4611, C replaced by T.
Protein change: p.Asp1537=; no amino-acid change (aspartic acid 1537 retained).
Molecular consequence: synonymous variant.
Genome position (GRCh38, 1-based): chr3:127,028,282, C>T. VCF-style: chr3-127028282-C-T. GRCh37 (hg19) VCF-style: chr3-126747125-C-T.
Identifiers: ClinVar variation 4987920 (VCV004987920.1).

ClinVar aggregate classification (germline): Likely benign (1 of 4 stars; one submission).

Conditions:
PLXNA1-related disorder. Also called: PLXNA1-related condition.

gnomAD v4.1: 18 of 1,612,818 alleles (0.0011%); highest among the groups gnomAD compares: East Asian, 0.029%; no homozygotes.

Submission:

PreventionGenetics, part of Exact Sciences
Classification: Likely benign for PLXNA1-related condition. Last evaluated: 2025-11-24. Review status: criteria provided, single submitter. Criteria: ACMG Guidelines, 2015. Collection method: clinical testing. Allele origin: germline.
Comment: This variant is classified as likely benign based on ACMG/AMP sequence variant interpretation guidelines (Richards et al. 2015 PMID: 25741868, with internal and published modifications).